The following is an entry in ClinVar:

ClinVar aggregate classification (germline): Benign (1 of 4 stars; one submission).

Conditions:
Cataract 12 multiple types. Identifiers: Orphanet 91492, MedGen C3808115, MONDO:0012701, OMIM 611597.

Allele frequency attached by ClinVar (database versions not stated): gnomAD 0.00001 and 0.00002; gnomAD exomes 0.00001 and 0.00007; ExAC 0.00002; TOPMed 0.00003.
gnomAD v4.1: 23 of 1,614,056 alleles (0.0014%); highest among the groups gnomAD compares: Admixed American, 0.032%; no homozygotes.

Submission:

Illumina Laboratory Services, Illumina
Classification: Benign for Cataract 12 multiple types. Last evaluated: 2018-01-13. Review status: criteria provided, single submitter. Criteria: ICSL Variant Classification Criteria 13 December 2019. Collection method: clinical testing. Allele origin: germline.
Comment: This variant was observed in the ICSL laboratory as part of a predisposition screen in an ostensibly healthy population. It had not been previously curated by ICSL or reported in the Human Gene Mutation Database (HGMD: prior to June 1st, 2018), and was therefore a candidate for classification through an automated scoring system. Utilizing variant allele frequency, disease prevalence and penetrance estimates, and inheritance mode, an automated score was calculated to assess if this variant is too frequent to cause the disease. Based on the score and internal cut-off values, a variant classified as benign is not then subjected to further curation. The score for this variant resulted in a classification of benign for this disease.

NM_003571.4(BFSP2):c.285C>T (p.Thr95=)

Gene: BFSP2 (beaded filament structural protein 2; plus strand). Cytogenetic location: 3q22.1.
Variant type: single nucleotide variant.
Coding change: c.285C>T on transcript NM_003571.4 (MANE Select); coding-DNA position 285, C replaced by T.
Protein change: p.Thr95=; no amino-acid change (threonine 95 retained).
Molecular consequence: synonymous variant.
Genome position (GRCh38, 1-based): chr3:133,400,368, C>T. VCF-style: chr3-133400368-C-T. GRCh37 (hg19) VCF-style: chr3-133119212-C-T.
Identifiers: ClinVar variation 900455 (VCV000900455.4), dbSNP rs748115575, ClinGen allele CA2623221.